The following is an entry in ClinVar:

NM_001126108.2(SLC12A3):c.2285+8G>A

Gene: SLC12A3 (solute carrier family 12 member 3; plus strand). Cytogenetic location: 16q13.
Variant type: single nucleotide variant.
Coding change: c.2285+8G>A on transcript NM_001126108.2 (MANE Select); 8 bases into the intron after coding-DNA position 2285, G replaced by A.
Molecular consequence: intron variant.
Genome position (GRCh38, 1-based): chr16:56,888,039, G>A. VCF-style: chr16-56888039-G-A. GRCh37 (hg19) VCF-style: chr16-56921951-G-A.
Other names: p.?; c.2285+8G>A (NM_000339.3); c.2282+8G>A (NM_001126107.2).
Identifiers: ClinVar variation 735078 (VCV000735078.39), dbSNP rs199854613, ClinGen allele CA8069809.
Genomic context (GRCh38, chr16:56,888,039, plus strand): 5'-AACTGGCAGTCGGCTCACCCGGCCACAGTGGAAGACTACATTGGCATCCTCCAGTGAGTC[G>A]GGGGAGAGGAAGGGGCTTGGGGTCTGTTAATTTGGGCCCATTGGGCCTTGAGAAGTGGAA-3'

ClinVar aggregate classification (germline): Benign/Likely benign. Review status: criteria provided, multiple submitters, no conflicts (2 of 4 stars). 6 submissions from 6 submitters: Benign (1); Likely benign (5). Last evaluated 2025-09-24.

Conditions:
Familial hypokalemia-hypomagnesemia (GTLMNS). Also called: HYPOMAGNESEMIA-HYPOKALEMIA, PRIMARY RENOTUBULAR, WITH HYPOCALCIURIA; POTASSIUM AND MAGNESIUM DEPLETION; gitelman syndrome. Identifiers: Orphanet 358, MedGen C0268450, MONDO:0009904, OMIM 263800.

Allele frequency attached by ClinVar (database versions not stated): gnomAD exomes 0.00034; ExAC 0.00045; gnomAD 0.00061; ESP Exome Variant Server 0.00062; TOPMed 0.00080; 1000 Genomes Project 0.00160.
gnomAD v4.1: 260 of 1,597,194 alleles (0.016%); highest among the groups gnomAD compares: African/African-American, 0.18%; no homozygotes.

Submissions (6):

Mayo Clinic Laboratories, Mayo Clinic
Classification: Likely benign. Last evaluated: 2025-09-24. Review status: criteria provided, single submitter. Criteria: ACMG Guidelines, 2015. Collection method: clinical testing. Allele origin: germline. Observed: 1 variant allele.
Comment: BS1, BP7

Labcorp Genetics (formerly Invitae), Labcorp
Classification: Benign. Last evaluated: 2025-07-20. Review status: criteria provided, single submitter. Criteria: Invitae Variant Classification Sherloc (09022015). Collection method: clinical testing. Allele origin: germline.

Women's Health and Genetics/Laboratory Corporation of America, LabCorp
Classification: Likely benign. Last evaluated: 2025-04-30. Review status: criteria provided, single submitter. Criteria: LabCorp Variant Classification Summary - May 2015. Collection method: clinical testing. Allele origin: germline.

Blueprint Genetics
Classification: Likely benign. Last evaluated: 2024-11-18. Review status: criteria provided, single submitter. Criteria: ACMG Guidelines, 2015. Collection method: clinical testing. Allele origin: germline.

CeGaT Center for Human Genetics Tuebingen
Classification: Likely benign. Last evaluated: 2022-04-01. Review status: criteria provided, single submitter. Criteria: CeGaT Center For Human Genetics Tuebingen Variant Classification Criteria Version 2. Collection method: clinical testing. Allele origin: germline. Affected: yes. Observed: 1 variant allele.
Comment: SLC12A3: BP4

Fulgent Genetics
Classification: Likely benign for Familial hypokalemia-hypomagnesemia. Last evaluated: 2021-12-23. Review status: criteria provided, single submitter. Criteria: ACMG Guidelines, 2015. Collection method: clinical testing. Allele origin: unknown.